The following is an entry in ClinVar:

ClinVar aggregate classification (germline): Pathogenic (1 of 4 stars; one submission).

Conditions:
Deficiency of malonyl-CoA decarboxylase. Also called: Malonic aciduria; MCD deficiency. Identifiers: Orphanet 943, MedGen C0342793, MONDO:0009556, OMIM 248360.

Submission:

Victorian Clinical Genetics Services, Murdoch Childrens Research Institute
Classification: Pathogenic for Deficiency of malonyl-CoA decarboxylase. Last evaluated: 2024-11-24. Review status: criteria provided, single submitter. Criteria: ACMG Guidelines, 2015. Collection method: clinical testing. Allele origin: germline. Affected: yes.
Comment: This variant is classified as Pathogenic. Evidence in support of pathogenic classification: Variant is predicted to cause nonsense-mediated decay (NMD) and loss of protein (premature termination codon is located at least 54 nucleotides upstream of the final exon-exon junction); Variant is absent from gnomAD (v2, v3 and v4); This variant has limited previous evidence of pathogenicity in an unrelated individual. This variant has been reported in a homozygous individual with malonyl-CoA decarboxylase deficiency (PMID: 33745485); Other NMD-predicted variants comparable to the one identified in this case have very strong previous evidence for pathogenicity (DECIPHER). Additional information: This variant is homozygous; This gene is associated with autosomal recessive disease; No published segregation evidence has been identified for this variant; No published functional evidence has been identified for this variant; Loss of function is a known mechanism of disease in this gene and is associated with malonyl-CoA decarboxylase deficiency (MIM#248360).

Literature cited by the submitters: PubMed 33745485.

NM_012213.3(MLYCD):c.175A>T (p.Lys59Ter)

Gene: MLYCD (malonyl-CoA decarboxylase; plus strand). Cytogenetic location: 16q23.3.
Variant type: single nucleotide variant.
Coding change: c.175A>T on transcript NM_012213.3 (MANE Select); coding-DNA position 175, A replaced by T.
Protein change: p.Lys59Ter; replaces lysine 59 with a stop codon.
Molecular consequence: nonsense.
Genome position (GRCh38, 1-based): chr16:83,899,319, A>T. VCF-style: chr16-83899319-A-T. GRCh37 (hg19) VCF-style: chr16-83932924-A-T.
Other names: short protein forms K59*.
Identifiers: ClinVar variation 1806239 (VCV001806239.4), dbSNP rs2507370774, ClinGen allele CA396917798.